The following is an entry in ClinVar:

ClinVar aggregate classification (germline): Uncertain significance (1 of 4 stars; one submission).

Submission:

ISCA site 15
Classification: Uncertain significance. Last evaluated: 2011-08-12. Review status: criteria provided, single submitter. Criteria: Kaminsky et al. (Genet Med. 2011). Collection method: clinical testing. Allele origin: maternal. Affected: yes. Observed: 1 variant allele.
Comment: Copy number variation identified through the course of routine clinical cytogenomic testing in postnatal populations. Clinical assertions have been curated as described in Kaminsky et al. 2011.

GRCh38/hg38 16p12.2(chr16:21826171-22634444)x1

Genes: CDR2 (cerebellar degeneration related protein 2), CDR2-DT (CDR2 divergent transcript), EEF2K (eukaryotic elongation factor 2 kinase), LINC02890 (long intergenic non-protein coding RNA 2890; minus strand), MOSMO (modulator of smoothened) and 36 more. Cytogenetic location: 16p12.2.
Variant type: copy number loss.
Change: copy number 1 (one copy instead of two) of chr16:21,826,171-22,634,444 (808.3 kb, GRCh38 coordinates, 1-based), cytogenetic band 16p12.2.
Identifiers: ClinVar variation 57551 (VCV000057551.1).